The following is an entry in ClinVar:

NM_032816.5(CEP89):c.2060G>A (p.Arg687Gln)

Gene: CEP89 (centrosomal protein 89; minus strand). Cytogenetic location: 19q13.11.
Variant type: single nucleotide variant.
Coding change: c.2060G>A on transcript NM_032816.5 (MANE Select); coding-DNA position 2060, G replaced by A.
Protein change: p.Arg687Gln; replaces arginine 687 with glutamine.
Molecular consequence: missense variant.
Genome position (GRCh38, 1-based): chr19:32,881,919, C>T on the plus strand (G>A on the coding strand, the complement: CEP89 is on the minus strand). VCF-style: chr19-32881919-C-T. GRCh37 (hg19) VCF-style: chr19-33372825-C-T.
Other names: short protein forms R687Q.
Identifiers: ClinVar variation 3026444 (VCV003026444.22), dbSNP rs750847644, ClinGen allele CA9359093.
Genomic context (GRCh38, chr19:32,881,919, plus strand): 5'-GCCTGGTCCAGCACCTCCTGCTTGTCCTTCAGCACCTGGTGCAGGTGCCGCATCTCCTGC[C>T]GGTACTGGGCTGTCTTGCCGGCGAAGTCCTCCTGCTGCTCCAGCAGACGGTGACTGATGT-3'
Protein context (NP_116205.3, residues 677-697): EDFAGKTAQY[Arg687Gln]QEMRHLHQVL

ClinVar aggregate classification (germline): Uncertain significance (1 of 4 stars; one submission).

Allele frequency attached by ClinVar (database versions not stated): ExAC 0.00001; gnomAD 0.00001; gnomAD exomes 0.00001; TOPMed 0.00001.
gnomAD v4.1: 16 of 1,605,188 alleles (0.001%); highest among the groups gnomAD compares: South Asian, 0.0022%; no homozygotes.

Submission:

CeGaT Center for Human Genetics Tuebingen
Classification: Uncertain significance. Last evaluated: 2024-01-01. Review status: criteria provided, single submitter. Criteria: CeGaT Center For Human Genetics Tuebingen Variant Classification Criteria Version 2. Collection method: clinical testing. Allele origin: germline. Affected: yes. Observed: 1 variant allele.
Comment: CEP89: PM2, BP4